The following is an entry in ClinVar:

NM_000321.3(RB1):c.2059_2066dup (p.Asn690fs)

Gene: RB1 (RB transcriptional corepressor 1; plus strand). Cytogenetic location: 13q14.2.
Variant type: Duplication.
Coding change: c.2059_2066dup on transcript NM_000321.3 (MANE Select); coding-DNA positions 2059 to 2066, 8 bases duplicated (ACCCTGCA; older notation c.2059_2066dupACCCTGCA).
Protein change: p.Asn690fs; shifts the reading frame from asparagine 690.
Molecular consequence: frameshift variant.
Genome position (GRCh38, 1-based): chr13:48,459,786-48,459,793, ACCCTGCA duplicated. VCF-style (leftmost placement, unchanged base first): chr13-48459785-C-CACCCTGCA. GRCh37 (hg19) VCF-style: chr13-49033921-C-CACCCTGCA.
Other names: c.2059_2066dup, p.Asn690fs (NM_001407165.1); short protein forms N690fs.
Identifiers: ClinVar variation 2743773 (VCV002743773.3), dbSNP rs2542368395, ClinGen allele CA2697551907.
Genomic context (GRCh38, chr13:48,459,785, plus strand): 5'-TGAACGCCTTCTGTCTGAGCACCCAGAATTAGAACATATCATCTGGACCCTTTTCCAGCA[C>CACCCTGCA]ACCCTGCAGAATGAGTATGAACTCATGAGAGACAGGCATTTGGACCAAGTAAGAAAATCA-3'

ClinVar aggregate classification (germline): Pathogenic (1 of 4 stars; one submission).

Conditions:
Retinoblastoma (RB1). Also called: RETINOBLASTOMA, SOMATIC. Identifiers: Orphanet 790, MedGen C0035335, MeSH D012175, MONDO:0008380, OMIM 180200, HP:0009919. Disease mechanism: loss of function. Inheritance: Both sporadic and heritable forms are tested..

Submission:

Labcorp Genetics (formerly Invitae), Labcorp
Classification: Pathogenic for Retinoblastoma. Last evaluated: 2023-07-16. Review status: criteria provided, single submitter. Criteria: Invitae Variant Classification Sherloc (09022015). Collection method: clinical testing. Allele origin: germline.
Comment: This sequence change creates a premature translational stop signal (p.Asn690Profs*9) in the RB1 gene. It is expected to result in an absent or disrupted protein product. Loss-of-function variants in RB1 are known to be pathogenic (PMID: 17096365). This variant is not present in population databases (gnomAD no frequency). This variant has not been reported in the literature in individuals affected with RB1-related conditions. For these reasons, this variant has been classified as Pathogenic.

Literature cited by the submitters: PubMed 17096365.